The following is an entry in ClinVar:

ClinVar aggregate classification (germline): Pathogenic/Likely pathogenic. Review status: criteria provided, multiple submitters, no conflicts (2 of 4 stars). 3 submissions from 3 submitters: Pathogenic (1); Likely pathogenic (1). 1 of the submissions does not count toward it. Last evaluated 2026-01-26.

Conditions:
Polycystic kidney disease 4 (PKD4). Also called: POLYCYSTIC KIDNEY AND HEPATIC DISEASE 1; POLYCYSTIC KIDNEY DISEASE, INFANTILE, TYPE I; POLYCYSTIC KIDNEY DISEASE 4 WITH OR WITHOUT POLYCYSTIC LIVER DISEASE; PKD3; Autosomal Recessive Polycystic Kidney Disease – PKHD1. Identifiers: MedGen C4540575, MONDO:0033004, OMIM 263200.
Autosomal recessive polycystic kidney disease (ARPKD). Also called: AR polycystic kidney disease. Identifiers: Orphanet 731, Orphanet 8378, MedGen C0085548, MeSH D017044, MONDO:0009889.

Submissions (3):

Labcorp Genetics (formerly Invitae), Labcorp
Classification: Pathogenic for Autosomal recessive polycystic kidney disease. Last evaluated: 2026-01-26. Review status: criteria provided, single submitter. Criteria: Invitae Variant Classification Sherloc (09022015). Collection method: clinical testing. Allele origin: germline.
Comment: This sequence change creates a premature translational stop signal (p.Pro2721Glnfs*14) in the PKHD1 gene. It is expected to result in an absent or disrupted protein product. Loss-of-function variants in PKHD1 are known to be pathogenic (PMID: 19940839). This variant is not present in population databases (gnomAD no frequency). This variant has not been reported in the literature in individuals affected with PKHD1-related conditions. ClinVar contains an entry for this variant (Variation ID: 370799). For these reasons, this variant has been classified as Pathogenic.

Natera, Inc.
Classification: Likely pathogenic for Autosomal recessive polycystic kidney disease. Last evaluated: 2025-10-23. Review status: criteria provided, single submitter. Criteria: Natera Variant Classification Schema (03/2026). Collection method: clinical testing. Allele origin: germline.
Comment: The c.8162del variant in PKHD1 is a frameshift variant predicted to shift the reading frame beginning at codon 2721 and leads to a stop codon 14 codons downstream. This variant is expected to result in nonsense mediated decay, truncation, or a dysfunctional protein product. This variant is rare in the general population with a frequency below the threshold expected for the associated phenotype(s). Given the available evidence, this variant is classified as Likely Pathogenic.

Counsyl
Classification: Likely pathogenic for Polycystic kidney disease 4. Last evaluated: 2016-04-14. Review status: no assertion criteria provided. Collection method: clinical testing. Allele origin: unknown. Not counted in ClinVar's aggregate classification.

Literature cited by the submitters: PubMed 19940839 (cited by Labcorp Genetics (formerly Invitae), Labcorp).

NM_138694.4(PKHD1):c.8162del (p.Pro2721fs)

Gene: PKHD1 (PKHD1 ciliary IPT domain containing fibrocystin/polyductin; minus strand). Cytogenetic location: 6p12.2.
Variant type: Deletion.
Coding change: c.8162del on transcript NM_138694.4 (MANE Select); coding-DNA position 8162, one base deleted (C; older notation c.8162delC).
Protein change: p.Pro2721fs; shifts the reading frame from proline 2721.
Molecular consequence: frameshift variant.
Genome position (GRCh38, 1-based): chr6:51,836,415, G deleted on the plus strand (C on the coding strand, the reverse complement: PKHD1 is on the minus strand); the first of 5 consecutive G bases (chr6:51,836,415-51,836,419); deleting any one gives the same sequence. VCF-style (leftmost placement, unchanged base first): chr6-51836414-TG-T. GRCh37 (hg19) VCF-style: chr6-51701212-TG-T.
Other names: c.8162delC (NM_138694.3); c.8162del, p.Pro2721fs (NM_170724.3); c.8162del (NM_138694.3); short protein forms P2721fs.
Identifiers: ClinVar variation 370799 (VCV000370799.5), dbSNP rs1057516775, ClinGen allele CA16041036.